The following is an entry in ClinVar:

ClinVar aggregate classification (germline): Uncertain significance. Review status: criteria provided, multiple submitters, no conflicts (2 of 4 stars). 2 submissions from 2 submitters: Uncertain significance (2). Last evaluated 2023-12-08.

Conditions:
Inborn genetic diseases. Identifiers: MedGen C0950123, MeSH D030342.
Congenital myasthenic syndrome 10. Also called: Myasthenia, limb-girdle, familial. Identifiers: Orphanet 590, MedGen C1850792, MONDO:0009690, OMIM 254300.
Fetal akinesia deformation sequence 1 (FADS1). Also called: Pena-Shokeir syndrome type I; Fetal akinesia sequence. Identifiers: Orphanet 994, MedGen C1276035, MONDO:0100101, OMIM 208150, HP:0001989.

Allele frequency attached by ClinVar (database versions not stated): gnomAD exomes 0.00001; TOPMed 0.00001; gnomAD 0.00002.
gnomAD v4.1: 17 of 1,605,234 alleles (0.0011%); highest among the groups gnomAD compares: Non-Finnish European, 0.0014%; no homozygotes.

Submissions (2):

Ambry Genetics
Classification: Uncertain significance for Inborn genetic diseases. Last evaluated: 2023-12-08. Review status: criteria provided, single submitter. Criteria: Ambry Variant Classification Scheme 2023. Collection method: clinical testing. Allele origin: germline.

Labcorp Genetics (formerly Invitae), Labcorp
Classification: Uncertain significance for Congenital myasthenic syndrome 10; Fetal akinesia deformation sequence 1. Last evaluated: 2022-05-25. Review status: criteria provided, single submitter. Criteria: Invitae Variant Classification Sherloc (09022015). Collection method: clinical testing. Allele origin: germline.
Comment: This variant is present in population databases (no rsID available, gnomAD 0.01%). This sequence change replaces proline, which is neutral and non-polar, with leucine, which is neutral and non-polar, at codon 390 of the DOK7 protein (p.Pro390Leu). This variant has not been reported in the literature in individuals affected with DOK7-related conditions. In summary, the available evidence is currently insufficient to determine the role of this variant in disease. Therefore, it has been classified as a Variant of Uncertain Significance. Algorithms developed to predict the effect of missense changes on protein structure and function are either unavailable or do not agree on the potential impact of this missense change (SIFT: "Tolerated"; PolyPhen-2: "Probably Damaging"; Align-GVGD: "Class C0"). ClinVar contains an entry for this variant (Variation ID: 864355).

NM_173660.5(DOK7):c.1169C>T (p.Pro390Leu)

Gene: DOK7 (docking protein 7; plus strand). Cytogenetic location: 4p16.3.
Variant type: single nucleotide variant.
Coding change: c.1169C>T on transcript NM_173660.5 (MANE Select); coding-DNA position 1169, C replaced by T.
Protein change: p.Pro390Leu; replaces proline 390 with leucine.
Molecular consequence: missense variant. On other transcripts: 3 prime UTR variant (1).
Genome position (GRCh38, 1-based): chr4:3,493,155, C>T. VCF-style: chr4-3493155-C-T. GRCh37 (hg19) VCF-style: chr4-3494882-C-T.
Other names: c.*390C>T (NM_001164673.2); c.239C>T, p.Pro80Leu (NM_001256896.2); c.1169C>T, p.Pro390Leu (NM_001301071.2); c.737C>T, p.Pro246Leu (NM_001363811.2); short protein forms P390L, P246L, P80L.
Identifiers: ClinVar variation 864355 (VCV000864355.9), dbSNP rs1418197383, ClinGen allele CA356117486.